The following is an entry in ClinVar:

ClinVar aggregate classification (germline): Uncertain significance (1 of 4 stars; one submission).

Conditions:
Immunodeficiency, common variable, 7. Identifiers: Orphanet 1572, Orphanet 696894, MedGen C3542922, MONDO:0013862, OMIM 614699.

Submission:

Labcorp Genetics (formerly Invitae), Labcorp
Classification: Uncertain significance for Immunodeficiency, common variable, 7. Last evaluated: 2023-08-17. Review status: criteria provided, single submitter. Criteria: Invitae Variant Classification Sherloc (09022015). Collection method: clinical testing. Allele origin: germline.
Comment: In summary, the available evidence is currently insufficient to determine the role of this variant in disease. Therefore, it has been classified as a Variant of Uncertain Significance. An algorithm developed to predict the effect of missense changes on protein structure and function (PolyPhen-2) suggests that this variant is likely to be disruptive. ClinVar contains an entry for this variant (Variation ID: 1431641). This variant has not been reported in the literature in individuals affected with CR2-related conditions. This variant is not present in population databases (gnomAD no frequency). This sequence change replaces proline, which is neutral and non-polar, with serine, which is neutral and polar, at codon 1023 of the CR2 protein (p.Pro1023Ser).

NM_001006658.3(CR2):c.3067C>T (p.Pro1023Ser)

Gene: CR2 (complement C3d receptor 2; plus strand). Cytogenetic location: 1q32.2.
Variant type: single nucleotide variant.
Coding change: c.3067C>T on transcript NM_001006658.3 (MANE Select); coding-DNA position 3067, C replaced by T.
Protein change: p.Pro1023Ser; replaces proline 1023 with serine.
Molecular consequence: missense variant.
Genome position (GRCh38, 1-based): chr1:207,478,049, C>T. VCF-style: chr1-207478049-C-T. GRCh37 (hg19) VCF-style: chr1-207651394-C-T.
Other names: c.2890C>T, p.Pro964Ser (NM_001877.5); short protein forms P964S, P1023S.
Identifiers: ClinVar variation 1431641 (VCV001431641.6), dbSNP rs1180344724, ClinGen allele CA344541824.